The following is an entry in ClinVar:

NM_001013703.4(EIF2AK4):c.145-81A>T

Gene: EIF2AK4 (eukaryotic translation initiation factor 2 alpha kinase 4; plus strand). Cytogenetic location: 15q15.1.
Variant type: single nucleotide variant.
Coding change: c.145-81A>T on transcript NM_001013703.4 (MANE Select); 81 bases into the intron before coding-DNA position 145, A replaced by T.
Molecular consequence: intron variant.
Genome position (GRCh38, 1-based): chr15:39,939,424, A>T. VCF-style: chr15-39939424-A-T. GRCh37 (hg19) VCF-style: chr15-40231625-A-T.
Identifiers: ClinVar variation 674660 (VCV000674660.2), dbSNP rs524240, ClinGen allele CA15852254.
Genomic context (GRCh38, chr15:39,939,424, plus strand): 5'-AAGTATGCCAGATTATCTATTTAAAATATAATTACAAATATTTTTAAAGTAGAACTTTTG[A>T]TCTAAAATGATCATTATCTTAATCATTAATGATTGGCTCTACAGCTTTGAAAAAAATTTT-3'

ClinVar aggregate classification (germline): Benign. Review status: criteria provided, multiple submitters, no conflicts (2 of 4 stars). 2 submissions from 2 submitters: Benign (2). Last evaluated 2018-06-14.

Allele frequency attached by ClinVar (database versions not stated): gnomAD 0.33192; TOPMed 0.35668; 1000 Genomes Project 30x 0.51530; 1000 Genomes Project 0.52556.
gnomAD v4.1: 238,579 of 723,644 alleles (33%); highest among the groups gnomAD compares: East Asian, 80%; 46,611 homozygotes.

Submissions (2):

GeneDx
Classification: Benign. Last evaluated: 2018-06-14. Review status: criteria provided, single submitter. Criteria: GeneDx Variant Classification (06012015). Collection method: clinical testing. Allele origin: germline. Affected: yes.
Comment: This variant is considered likely benign or benign based on one or more of the following criteria: it is a conservative change, it occurs at a poorly conserved position in the protein, it is predicted to be benign by multiple in silico algorithms, and/or has population frequency not consistent with disease.

Breakthrough Genomics
Classification: Benign. Review status: criteria provided, single submitter. Criteria: ACMG Guidelines, 2015. Collection method: not provided. Allele origin: germline. Inheritance: Autosomal recessive inheritance. Affected: yes.